The following is an entry in ClinVar:

NC_000011.9:g.(?_72141336)_(72145518_?)dup

Gene: CLPB (ClpB family mitochondrial disaggregase; minus strand). Cytogenetic location: 11q13.4.
Variant type: Duplication.
Identifiers: ClinVar variation 2426949 (VCV002426949.7).

ClinVar aggregate classification (germline): Uncertain significance (1 of 4 stars; one submission).

Conditions:
3-methylglutaconic aciduria, type VIIB (MGCA7B). Also called: 3-methylglutaconic aciduria with cataracts, neurologic involvement and neutropenia; CLPB Deficiency; 3-methylglutaconic aciduria, type VII, with cataracts, neurologic involvement and neutropenia. Identifiers: Orphanet 445038, MedGen C5676893, MONDO:0014561, OMIM 616271.

Submission:

Labcorp Genetics (formerly Invitae), Labcorp
Classification: Uncertain significance for 3-methylglutaconic aciduria, type VIIB. Last evaluated: 2023-05-11. Review status: criteria provided, single submitter. Criteria: Invitae Variant Classification Sherloc (09022015). Collection method: clinical testing. Allele origin: germline.
Comment: In summary, the available evidence is currently insufficient to determine the role of this variant in disease. Therefore, it has been classified as a Variant of Uncertain Significance. This variant has not been reported in the literature in individuals affected with CLPB-related conditions. This variant results in a copy number gain of the genomic region encompassing exon(s) 1-2 of the CLPB gene. This region includes the initiator codon of the gene. This copy number gain extends beyond the assayed region for this gene and therefore may encompass additional genes. As the precise location of this event is unknown, it may be in tandem or it may be located elsewhere in the genome.